The following is an entry in ClinVar:

ClinVar aggregate classification (germline): Uncertain significance (1 of 4 stars; one submission).

Allele frequency attached by ClinVar (database versions not stated): gnomAD exomes below 0.00001.
gnomAD v4.1: 1 of 1,611,950 alleles (0.000062%); highest among the groups gnomAD compares: Non-Finnish European, 0.000085%; no homozygotes.

Submission:

Labcorp Genetics (formerly Invitae), Labcorp
Classification: Uncertain significance. Last evaluated: 2022-07-27. Review status: criteria provided, single submitter. Criteria: Invitae Variant Classification Sherloc (09022015). Collection method: clinical testing. Allele origin: germline.
Comment: This sequence change replaces serine, which is neutral and polar, with asparagine, which is neutral and polar, at codon 1534 of the NBAS protein (p.Ser1534Asn). This variant is not present in population databases (gnomAD no frequency). This variant has not been reported in the literature in individuals affected with NBAS-related conditions. Algorithms developed to predict the effect of missense changes on protein structure and function output the following: SIFT: "Deleterious"; PolyPhen-2: "Benign"; Align-GVGD: "Class C45". The asparagine amino acid residue is found in multiple mammalian species, which suggests that this missense change does not adversely affect protein function. In summary, the available evidence is currently insufficient to determine the role of this variant in disease. Therefore, it has been classified as a Variant of Uncertain Significance.

NM_015909.4(NBAS):c.4601G>A (p.Ser1534Asn)

Gene: NBAS (NBAS subunit of NRZ tethering complex; minus strand). Cytogenetic location: 2p24.3.
Variant type: single nucleotide variant.
Coding change: c.4601G>A on transcript NM_015909.4 (MANE Select); coding-DNA position 4601, G replaced by A.
Protein change: p.Ser1534Asn; replaces serine 1534 with asparagine.
Molecular consequence: missense variant. On other transcripts: non-coding transcript variant (1).
Genome position (GRCh38, 1-based): chr2:15,309,229, C>T on the plus strand (G>A on the coding strand, the complement: NBAS is on the minus strand). VCF-style: chr2-15309229-C-T. GRCh37 (hg19) VCF-style: chr2-15449353-C-T.
Other names: short protein forms S1534N.
Identifiers: ClinVar variation 1956713 (VCV001956713.2), dbSNP rs2528289882, ClinGen allele CA345893747.
Genomic context (GRCh38, chr2:15,309,229, plus strand): 5'-ACTTGTGGTAAGGCAAGAAGGTAAGCAAGAGCCAAGGTCATGTCATTTGGCAAGGCTTCA[C>T]TTGCTAGTTGCAAGAGAACTGAATGCAGAAAAAGAAACATTATTTTACTGAGGTTGCATA-3'
Protein context (NP_056993.2, residues 1524-1544): PTTEVLLQLA[Ser1534Asn]EALPNDMTLA